The following is an entry in ClinVar:

ClinVar aggregate classification (germline): Uncertain significance (1 of 4 stars; one submission).

Submission:

Labcorp Genetics (formerly Invitae), Labcorp
Classification: Uncertain significance. Last evaluated: 2025-03-11. Review status: criteria provided, single submitter. Criteria: Invitae Variant Classification Sherloc (09022015). Collection method: clinical testing. Allele origin: germline.
Comment: This sequence change replaces tryptophan, which is neutral and slightly polar, with cysteine, which is neutral and slightly polar, at codon 1557 of the LRP5 protein (p.Trp1557Cys). This variant is not present in population databases (gnomAD no frequency). This variant has not been reported in the literature in individuals affected with LRP5-related conditions. Invitae Evidence Modeling of protein sequence and biophysical properties (such as structural, functional, and spatial information, amino acid conservation, physicochemical variation, residue mobility, and thermodynamic stability) indicates that this missense variant is not expected to disrupt LRP5 protein function with a negative predictive value of 95%. In summary, the available evidence is currently insufficient to determine the role of this variant in disease. Therefore, it has been classified as a Variant of Uncertain Significance.

NM_002335.4(LRP5):c.4671G>C (p.Trp1557Cys)

Gene: LRP5 (LDL receptor related protein 5; plus strand). Cytogenetic location: 11q13.2.
Variant type: single nucleotide variant.
Coding change: c.4671G>C on transcript NM_002335.4 (MANE Select); coding-DNA position 4671, G replaced by C.
Protein change: p.Trp1557Cys; replaces tryptophan 1557 with cysteine.
Molecular consequence: missense variant.
Genome position (GRCh38, 1-based): chr11:68,448,893, G>C. VCF-style: chr11-68448893-G-C. GRCh37 (hg19) VCF-style: chr11-68216361-G-C.
Other names: c.2928G>C, p.Trp976Cys (NM_001291902.2); short protein forms W1557C, W976C.
Identifiers: ClinVar variation 4800469 (VCV004800469.1).